The following is an entry in ClinVar:

ClinVar aggregate classification (germline): Uncertain significance (1 of 4 stars; one submission).

Submission:

GeneDx
Classification: Uncertain significance. Last evaluated: 2026-01-29. Review status: criteria provided, single submitter. Criteria: GeneDx Variant Classification Process June 2021. Collection method: clinical testing. Allele origin: germline.
Comment: Not observed at significant frequency in large population cohorts (gnomAD); In-frame deletion of 1 amino acid and insertion of 2 different amino acids in a non-repeat region; In silico analysis suggests that this variant does not alter protein structure/function; Has not been previously published as pathogenic or benign to our knowledge

NM_017534.6(MYH2):c.1372_1373delinsGTGTC (p.Tyr458delinsValSer)

Genes: MYH2 (myosin heavy chain 2; minus strand), MYHAS (myosin heavy chain gene cluster antisense RNA; plus strand). Cytogenetic location: 17p13.1.
Variant type: Indel.
Coding change: c.1372_1373delinsGTGTC on transcript NM_017534.6 (MANE Select); coding-DNA positions 1372 to 1373, TA replaced by GTGTC.
Protein change: p.Tyr458delinsValSer.
Molecular consequence: inframe indel.
Genome position (GRCh38, 1-based): chr17:10,539,248-10,539,249, TA replaced by GACAC on the plus strand (TA replaced by GTGTC on the coding strand, the reverse complement: MYH2 is on the minus strand). VCF-style: chr17-10539248-TA-GACAC. GRCh37 (hg19) VCF-style: chr17-10442565-TA-GACAC.
Other names: c.1372_1373delinsGTGTC, p.Tyr458delinsValSer (NM_001100112.2).
Identifiers: ClinVar variation 4975501 (VCV004975501.1).